The following is an entry in ClinVar:

NM_000551.4(VHL):c.416C>T (p.Ser139Phe)

Genes: VHL (von Hippel-Lindau tumor suppressor; plus strand), LOC107303340 (3p25 von Hippel-Lindau tumor suppressor, E3 ubiquitin protein ligase Alu-mediated recombination region; plus strand). Cytogenetic location: 3p25.3.
Variant type: single nucleotide variant.
Coding change: c.416C>T on transcript NM_000551.4 (MANE Select); coding-DNA position 416, C replaced by T.
Protein change: p.Ser139Phe; replaces serine 139 with phenylalanine.
Molecular consequence: missense variant. On other transcripts: intron variant (2).
Genome position (GRCh38, 1-based): chr3:10,146,589, C>T. VCF-style: chr3-10146589-C-T. GRCh37 (hg19) VCF-style: chr3-10188273-C-T.
Other names: NM_000551.4(VHL):c.416C>T; p.Ser139Phe; c.*18-3198C>T (NM_001354723.2); c.341-3198C>T (NM_198156.3); short protein forms S139F.
Identifiers: ClinVar variation 216478 (VCV000216478.15), dbSNP rs587780732, ClinGen allele CA336394.
Genomic context (GRCh38, chr3:10,146,589, plus strand): 5'-TCAGAGATGCAGGGACACACGATGGGCTTCTGGTTAACCAAACTGAATTATTTGTGCCAT[C>T]TCTCAATGTTGACGGACAGCCTATTTTTGCCAATATCACACTGCCAGGTACTGACGTTTT-3'
Protein context (NP_000542.1, residues 129-149): LVNQTELFVP[Ser139Phe]LNVDGQPIFA

ClinVar aggregate classification (germline): Uncertain significance. Review status: reviewed by expert panel (3 of 4 stars). 4 submissions from 4 submitters: Uncertain significance (1). 3 of the submissions do not count toward it. Last evaluated 2026-11-22.

Conditions:
Chuvash polycythemia. Also called: POLYCYTHEMIA, VHL-DEPENDENT. Identifiers: Orphanet 238557, MedGen C1837915, MONDO:0009892, OMIM 263400.
Von Hippel-Lindau syndrome (VHLS). Also called: von Hippel–Lindau syndrome; VHL syndrome; Von Hippel-Lindau. Identifiers: Orphanet 892, MedGen C0019562, MONDO:0008667, OMIM 193300. Disease mechanism: loss of function.
Hereditary cancer-predisposing syndrome. Also called: Hereditary neoplastic syndrome; Neoplastic Syndromes, Hereditary; Hereditary Cancer Syndrome; Tumor predisposition. Identifiers: Orphanet 140162, MedGen C0027672, MeSH D009386, MONDO:0015356.

gnomAD v4.1: 1 of 1,614,020 alleles (0.000062%); highest among the groups gnomAD compares: Non-Finnish European, 0.000085%; no homozygotes.

Submissions (4):

ClinGen VHL Variant Curation Expert Panel, ClinGen
Classification: Uncertain significance for Von Hippel-Lindau syndrome. Last evaluated: 2026-11-22. Review status: reviewed by expert panel. Criteria: ClinGen VHL ACMG Specifications VHL V1.1.0. Collection method: curation. Allele origin: germline. Inheritance: Autosomal dominant inheritance.
Comment: The NM_000551.4 (VHL): c.416C>T variant in VHL is a missense variant predicted to cause substitution of Serine by Phenylalanine at amino acid 139. The GroupMax Filtering Allele Frequency (95% CI) is not present due to extremely rare frequency (European/Non-Finish 1/1179942); PM2_Supporting can be applied at <= 0.0000015 (0.00015%) frequency in gnomAD. The REVEL computational prediction analysis tool produced a score of (0.877), which is above the threshold of 0.664, evidence that correlates with impact to VHL function (PP3). This variant is in position 139 in β-domain (HIF-α binding); PM1: applied for code-altering variants in key functional domains: The beta domain (63-155) which contains the Nuclear Export domain (114-155). This variant has also been reported in a proband meeting Danish VHL criteria (PMID: 25078357) (PS4_Supporting). In summary, this variant is classified as a variant of uncertain significance for autosomal dominant VHL Syndrome based on the ACMG/AMP criteria applied, as specified by the ClinGen VHL VCEP: PS4_Supporting, PM2_Supporting, PM1, PP3. (ClinGen VHL VCEP v1.1.0) (Specifications approval date: 01/10/2025). Variant Approval Date 11/22/2026.

Ambry Genetics
Classification: Uncertain significance for Hereditary cancer-predisposing syndrome. Last evaluated: 2026-03-24. Review status: criteria provided, single submitter. Criteria: Ambry Variant Classification Scheme 2023. Collection method: clinical testing. Allele origin: germline. Not counted in ClinVar's aggregate classification.
Comment: The p.S139F variant (also known as c.416C>T), located in coding exon 2 of the VHL gene, results from a C to T substitution at nucleotide position 416. The serine at codon 139 is replaced by phenylalanine, an amino acid with highly dissimilar properties. This variant was reported in an individual with features consistent with von Hippel-Lindau Syndrome (Hwang S et al. J Hum Genet, 2014 Sep;59:488-93). However, this variant was determined to be functionally neutral in one saturation genome editing assay (Buckley M et al. Nat Genet, 2024 Jul;56:1446-1455). This amino acid position is not well conserved in available vertebrate species. In addition, the in silico prediction for this alteration is inconclusive. Based on the available evidence, the clinical significance of this variant remains unclear.

Labcorp Genetics (formerly Invitae), Labcorp
Classification: Likely pathogenic for Von Hippel-Lindau syndrome; Chuvash polycythemia. Last evaluated: 2024-03-01. Review status: criteria provided, single submitter. Criteria: Invitae Variant Classification Sherloc (09022015). Collection method: clinical testing. Allele origin: germline. Not counted in ClinVar's aggregate classification.
Comment: This sequence change replaces serine, which is neutral and polar, with phenylalanine, which is neutral and non-polar, at codon 139 of the VHL protein (p.Ser139Phe). This variant is not present in population databases (gnomAD no frequency). This missense change has been observed in individual(s) with von Hippel-Lindau syndrome (PMID: 25078357). ClinVar contains an entry for this variant (Variation ID: 216478). Advanced modeling of protein sequence and biophysical properties (such as structural, functional, and spatial information, amino acid conservation, physicochemical variation, residue mobility, and thermodynamic stability) performed at Invitae indicates that this missense variant is expected to disrupt VHL protein function with a positive predictive value of 95%. In summary, the currently available evidence indicates that the variant is pathogenic, but additional data are needed to prove that conclusively. Therefore, this variant has been classified as Likely Pathogenic.

Baylor Genetics
Classification: Uncertain significance for Chuvash polycythemia. Last evaluated: 2023-06-26. Review status: criteria provided, single submitter. Criteria: ACMG Guidelines, 2015. Collection method: clinical testing. Allele origin: unknown. Not counted in ClinVar's aggregate classification.

Literature cited by the submitters: PubMed 25078357 (cited by Ambry Genetics and Labcorp Genetics (formerly Invitae), Labcorp); PubMed 38969834 (cited by Ambry Genetics).